The following is an entry in ClinVar:

ClinVar aggregate classification (germline): Pathogenic (1 of 4 stars; one submission).

Conditions:
Duchenne muscular dystrophy (DMD). Also called: MUSCULAR DYSTROPHY, PSEUDOHYPERTROPHIC PROGRESSIVE, DUCHENNE TYPE; Duchenne Muscular Dystrophy (DMD). Identifiers: Orphanet 98896, MedGen C0013264, MONDO:0010679, OMIM 310200.

Submission:

Labcorp Genetics (formerly Invitae), Labcorp
Classification: Pathogenic for Duchenne muscular dystrophy. Last evaluated: 2025-04-07. Review status: criteria provided, single submitter. Criteria: Invitae Variant Classification Sherloc (09022015). Collection method: clinical testing. Allele origin: germline.
Comment: This sequence change affects an acceptor splice site in intron 45 of the DMD gene. It is expected to disrupt RNA splicing. Variants that disrupt the donor or acceptor splice site typically lead to a loss of protein function (PMID: 16199547), and loss-of-function variants in DMD are known to be pathogenic (PMID: 16770791, 25007885). This variant is not present in population databases (gnomAD no frequency). Disruption of this splice site has been observed in individuals with Becker muscular dystrophy or Duchenne muscular dystrophy (PMID: 20485447, 28503591). ClinVar contains an entry for this variant (Variation ID: 3647067). Algorithms developed to predict the effect of sequence changes on RNA splicing suggest that this variant may disrupt the consensus splice site. For these reasons, this variant has been classified as Pathogenic.

Literature cited by the submitters: PubMed 16199547; PubMed 16770791; PubMed 25007885; PubMed 20485447; PubMed 28503591.

NM_004006.3(DMD):c.6615-2A>C

Gene: DMD (dystrophin; minus strand). Cytogenetic location: Xp21.1.
Variant type: single nucleotide variant.
Coding change: c.6615-2A>C on transcript NM_004006.3 (MANE Select); the canonical splice acceptor site of the intron before coding-DNA position 6615, A replaced by C.
Molecular consequence: splice acceptor variant.
Genome position (GRCh38, 1-based): chrX:31,932,229, T>G on the plus strand (A>C on the coding strand, the complement: DMD is on the minus strand). VCF-style: chrX-31932229-T-G. GRCh37 (hg19) VCF-style: chrX-31950346-T-G.
Other names: c.6591-2A>C (NM_000109.4); c.2592-2A>C (NM_004011.4); c.2583-2A>C (NM_004012.4); c.-766-2A>C (NM_004023.3, NM_004020.4, NM_004022.3 and 2 more transcripts); c.6603-2A>C (NM_004009.3); c.6246-2A>C (NM_004010.3).
Identifiers: ClinVar variation 3647067 (VCV003647067.2).